The following is an entry in ClinVar:

ClinVar aggregate classification (germline): Uncertain significance. Review status: criteria provided, multiple submitters, no conflicts (2 of 4 stars). 2 submissions from 2 submitters: Uncertain significance (2). Last evaluated 2026-01-18.

Conditions:
Intellectual disability. Also called: intellectual disabilities; Intellectual functioning disability; Intellectual developmental disorder. Identifiers: MedGen C3714756, MeSH D008607, MONDO:0001071, HP:0001249.

Allele frequency attached by ClinVar (database versions not stated): gnomAD exomes 0.00001 and below 0.00001; TOPMed 0.00002.
gnomAD v4.1: 4 of 1,202,084 alleles (0.00033%); highest among the groups gnomAD compares: East Asian, 0.003%; no homozygotes.

Submissions (2):

GeneDx
Classification: Uncertain significance. Last evaluated: 2026-01-18. Review status: criteria provided, single submitter. Criteria: GeneDx Variant Classification Process June 2021. Collection method: clinical testing. Allele origin: germline.
Comment: In silico analysis suggests that this missense variant does not alter protein structure/function; Has not been previously published as pathogenic or benign to our knowledge

Cambridge Genomics Laboratory, East Genomic Laboratory Hub, NHS Genomic Medicine Service
Classification: Uncertain significance for Intellectual disability. Last evaluated: 2019-12-16. Review status: criteria provided, single submitter. Criteria: ACGS Best Practice Guidelines for Variant Classification in Rare Disease 2020. Collection method: clinical testing. Allele origin: germline. Affected: yes. Observed: 1 variant allele.

NM_004463.3(FGD1):c.1120G>C (p.Val374Leu)

Gene: FGD1 (FYVE, RhoGEF and PH domain containing 1; minus strand). Cytogenetic location: Xp11.22.
Variant type: single nucleotide variant.
Coding change: c.1120G>C on transcript NM_004463.3 (MANE Select); coding-DNA position 1120, G replaced by C.
Protein change: p.Val374Leu; replaces valine 374 with leucine.
Molecular consequence: missense variant.
Genome position (GRCh38, 1-based): chrX:54,468,858, C>G on the plus strand (G>C on the coding strand, the complement: FGD1 is on the minus strand). VCF-style: chrX-54468858-C-G. GRCh37 (hg19) VCF-style: chrX-54495291-C-G.
Other names: short protein forms V374L.
Identifiers: ClinVar variation 1699800 (VCV001699800.4), dbSNP rs1397655152, ClinGen allele CA413247297.
Genomic context (GRCh38, chrX:54,468,858, plus strand): 5'-GATGGAGCCTGGAAACGTAGGCCTTCTCAGTTTGCAGGAGCTCATTGGCAATGTGAAACA[C>G]CTTTTGCTGCACAGTCAACTGGAAAGGAGAAACAGTAACCCCTGATCCATCATCCTCTAT-3'
Protein context (NP_004454.2, residues 364-384): ESVELTVQQK[Val374Leu]FHIANELLQT